The following is an entry in ClinVar:

NM_015978.3(TNNI3K):c.149+13G>C

Genes: FPGT-TNNI3K (FPGT-TNNI3K readthrough; plus strand), TNNI3K (TNNI3 interacting kinase; plus strand). Cytogenetic location: 1p31.1.
Variant type: single nucleotide variant.
Coding change: c.149+13G>C on transcript NM_015978.3 (MANE Select); 13 bases into the intron after coding-DNA position 149, G replaced by C.
Molecular consequence: intron variant.
Genome position (GRCh38, 1-based): chr1:74,236,223, G>C. VCF-style: chr1-74236223-G-C. GRCh37 (hg19) VCF-style: chr1-74701907-G-C.
Other names: c.452+13G>C (NM_001112808.3, NM_001199327.2).
Identifiers: ClinVar variation 2788977 (VCV002788977.3), dbSNP rs2524307909, ClinGen allele CA2574407514.

ClinVar aggregate classification (germline): Uncertain significance (1 of 4 stars; one submission).

Submission:

Labcorp Genetics (formerly Invitae), Labcorp
Classification: Uncertain significance. Last evaluated: 2023-05-08. Review status: criteria provided, single submitter. Criteria: Invitae Variant Classification Sherloc (09022015). Collection method: clinical testing. Allele origin: germline.
Comment: In summary, the available evidence is currently insufficient to determine the role of this variant in disease. Therefore, it has been classified as a Variant of Uncertain Significance. This sequence change falls in intron 2 of the TNNI3K gene. It does not directly change the encoded amino acid sequence of the TNNI3K protein. This variant is not present in population databases (gnomAD no frequency). This variant has not been reported in the literature in individuals affected with TNNI3K-related conditions. Algorithms developed to predict the effect of sequence changes on RNA splicing suggest that this variant may disrupt the consensus splice site.